The following is an entry in ClinVar:

NM_000038.6(APC):c.1260T>C (p.Cys420=)

Gene: APC (APC regulator of Wnt signaling pathway; plus strand). Cytogenetic location: 5q22.2.
Variant type: single nucleotide variant.
Coding change: c.1260T>C on transcript NM_000038.6 (MANE Select); coding-DNA position 1260, T replaced by C.
Protein change: p.Cys420=; no amino-acid change (cysteine 420 retained).
Molecular consequence: synonymous variant.
Genome position (GRCh38, 1-based): chr5:112,819,292, T>C. VCF-style: chr5-112819292-T-C. GRCh37 (hg19) VCF-style: chr5-112154989-T-C.
Other names: c.1260T>C, p.Cys420= (NM_001127510.3, NM_001354895.2, NM_001354896.2); c.1206T>C, p.Cys402= (NM_001127511.3); c.1290T>C, p.Cys430= (NM_001354897.2); c.1185T>C, p.Cys395= (NM_001354898.2); c.1176T>C, p.Cys392= (NM_001354899.2); c.1083T>C, p.Cys361= (NM_001354900.2, NM_001354901.2); c.987T>C, p.Cys329= (NM_001354902.2); c.957T>C, p.Cys319= (NM_001354903.2); and 3 more.
Identifiers: ClinVar variation 754862 (VCV000754862.16), dbSNP rs888081211, ClinGen allele CA124970556.
Genomic context (GRCh38, chr5:112,819,292, plus strand): 5'-CAGGCGTGAAATCCGAGTCCTTCATCTTTTGGAACAGATACGCGCTTACTGTGAAACCTG[T>C]TGGGAGTGGCAGGAAGCTCATGAACCAGGCATGGACCAGGACAAAAATCCAAGTATGTTC-3'
Protein context (NP_000029.2, residues 410-430): LEQIRAYCET[Cys420=]WEWQEAHEPG

ClinVar aggregate classification (germline): Benign/Likely benign. Review status: criteria provided, multiple submitters, no conflicts (2 of 4 stars). 4 submissions from 4 submitters: Benign (1); Likely benign (3). Last evaluated 2024-11-02.

Conditions:
Hereditary cancer-predisposing syndrome. Also called: Hereditary Cancer Syndrome; Hereditary neoplastic syndrome; Neoplastic Syndromes, Hereditary; Tumor predisposition. Identifiers: Orphanet 140162, MedGen C0027672, MeSH D009386, MONDO:0015356.
Familial adenomatous polyposis 1 (FAP1). Also called: FAMILIAL ADENOMATOUS POLYPOSIS 1, ATTENUATED; POLYPOSIS, ADENOMATOUS INTESTINAL. Identifiers: MedGen C2713442, MONDO:0021056, OMIM 175100. Disease mechanism: loss of function.

Submissions (4):

Labcorp Genetics (formerly Invitae), Labcorp
Classification: Likely benign for Familial adenomatous polyposis 1. Last evaluated: 2024-11-02. Review status: criteria provided, single submitter. Criteria: Invitae Variant Classification Sherloc (09022015). Collection method: clinical testing. Allele origin: germline.

Myriad Genetics, Inc.
Classification: Benign for Familial adenomatous polyposis 1. Last evaluated: 2024-03-01. Review status: criteria provided, single submitter. Criteria: Myriad Autosomal Dominant, Autosomal Recessive and X-Linked Classification Criteria (2023). Collection method: clinical testing. Allele origin: unknown.
Comment: This variant is considered benign. This variant is a silent/synonymous amino acid change and it is not expected to impact splicing.

Color Diagnostics, LLC DBA Color Health
Classification: Likely benign for Hereditary cancer-predisposing syndrome. Last evaluated: 2020-11-02. Review status: criteria provided, single submitter. Criteria: ACMG Guidelines, 2015. Collection method: clinical testing. Allele origin: germline.

Ambry Genetics
Classification: Likely benign for Hereditary cancer-predisposing syndrome. Last evaluated: 2020-03-16. Review status: criteria provided, single submitter. Criteria: Ambry Variant Classification Scheme 2023. Collection method: clinical testing. Allele origin: germline.